The following is an entry in ClinVar:

ClinVar aggregate classification (germline): Uncertain significance (1 of 4 stars; one submission).

Conditions:
Glycogen storage disease type X (GSD10). Also called: Dimauro disease; GSD X; MYOPATHY DUE TO PHOSPHOGLYCERATE MUTASE DEFICIENCY; PGAMM DEFICIENCY; PHOSPHOGLYCERATE MUTASE, MUSCLE, DEFICIENCY OF; Glycogen storage disease due to phosphoglycerate mutase deficiency. Identifiers: Orphanet 97234, MedGen C0268149, MONDO:0009865, OMIM 261670.

Allele frequency attached by ClinVar (database versions not stated): gnomAD exomes below 0.00001 and 0.00001; gnomAD 0.00002 and 0.00004; TOPMed 0.00003.
gnomAD v4.1: 14 of 1,613,986 alleles (0.00087%); highest among the groups gnomAD compares: African/African-American, 0.0013%; no homozygotes.

Submission:

Labcorp Genetics (formerly Invitae), Labcorp
Classification: Uncertain significance for Glycogen storage disease type X. Last evaluated: 2025-08-10. Review status: criteria provided, single submitter. Criteria: Invitae Variant Classification Sherloc (09022015). Collection method: clinical testing. Allele origin: germline.
Comment: This sequence change replaces glutamic acid, which is acidic and polar, with lysine, which is basic and polar, at codon 13 of the PGAM2 protein (p.Glu13Lys). This variant is present in population databases (no rsID available, gnomAD 0.002%). This variant has not been reported in the literature in individuals affected with PGAM2-related conditions. ClinVar contains an entry for this variant (Variation ID: 1421162). Invitae Evidence Modeling of protein sequence and biophysical properties (such as structural, functional, and spatial information, amino acid conservation, physicochemical variation, residue mobility, and thermodynamic stability) has been performed for this missense variant. However, the output from this modeling did not meet the statistical confidence thresholds required to predict the impact of this variant on PGAM2 protein function. In summary, the available evidence is currently insufficient to determine the role of this variant in disease. Therefore, it has been classified as a Variant of Uncertain Significance.

NM_000290.4(PGAM2):c.37G>A (p.Glu13Lys)

Genes: DBNL (drebrin like; plus strand), PGAM2 (phosphoglycerate mutase 2; minus strand). Cytogenetic location: 7p13.
Variant type: single nucleotide variant.
Coding change: c.37G>A on transcript NM_000290.4 (MANE Select); coding-DNA position 37, G replaced by A.
Protein change: p.Glu13Lys; replaces glutamic acid 13 with lysine.
Molecular consequence: missense variant. On other transcripts: 3 prime UTR variant (6).
Genome position (GRCh38, 1-based): chr7:44,065,493, C>T on the plus strand (G>A on the coding strand, the complement: PGAM2 is on the minus strand). VCF-style: chr7-44065493-C-T. GRCh37 (hg19) VCF-style: chr7-44105092-C-T.
Other names: c.*4577C>T (NM_001014436.3, NM_001122956.2, NM_001284313.2 and 3 more transcripts); short protein forms E13K.
Identifiers: ClinVar variation 1421162 (VCV001421162.4), dbSNP rs1026868358, ClinGen allele CA157875578.
Genomic context (GRCh38, chr7:44,065,493, plus strand): 5'-TTTCACTCAGCTCTGCATCGAACCAGCCACAGAAACGGTTCTCCTGGTTCCATGTGCTCT[C>T]GCCGTGCCGGACCATCACGAGGCGGTGAGTGGCCATGGTGGCAGCAGGGACCACAGAGGA-3'
Protein context (NP_000281.2, residues 3-23): THRLVMVRHG[Glu13Lys]STWNQENRFC